The following is an entry in ClinVar:

NM_033026.6(PCLO):c.8933G>A (p.Arg2978Gln)

Gene: PCLO (piccolo presynaptic cytomatrix protein; minus strand). Cytogenetic location: 7q21.11.
Variant type: single nucleotide variant.
Coding change: c.8933G>A on transcript NM_033026.6 (MANE Select); coding-DNA position 8933, G replaced by A.
Protein change: p.Arg2978Gln; replaces arginine 2978 with glutamine.
Molecular consequence: missense variant.
Genome position (GRCh38, 1-based): chr7:82,952,020, C>T on the plus strand (G>A on the coding strand, the complement: PCLO is on the minus strand). VCF-style: chr7-82952020-C-T. GRCh37 (hg19) VCF-style: chr7-82581336-C-T.
Other names: c.8933G>A (NM_033026.5); c.8933G>A, p.Arg2978Gln (NM_014510.3); short protein forms R2978Q.
Identifiers: ClinVar variation 1409403 (VCV001409403.8), dbSNP rs778228072, ClinGen allele CA4320030.
Genomic context (GRCh38, chr7:82,952,020, plus strand): 5'-TTTGTGTCAGACATGGAAGGCTTCATTCCCCCAATCCCTCTATAACCATATGGCCCTGAT[C>T]GATCATACTGATAGTGGTCATCCCTATAACCAAAACGATCCTCAGGAAGAGTAGTTGCAG-3'
Protein context (NP_149015.2, residues 2968-2988): GYRDDHYQYD[Arg2978Gln]SGPYGYRGIG

ClinVar aggregate classification (germline): Uncertain significance. Review status: criteria provided, multiple submitters, no conflicts (2 of 4 stars). 2 submissions from 2 submitters: Uncertain significance (2). Last evaluated 2025-11-21.

Conditions:
Inborn genetic diseases. Identifiers: MedGen C0950123, MeSH D030342.

Allele frequency attached by ClinVar (database versions not stated): ExAC 0.00002.
gnomAD v4.1: 29 of 1,613,772 alleles (0.0018%); highest among the groups gnomAD compares: East Asian, 0.016%; no homozygotes.

Submissions (2):

Labcorp Genetics (formerly Invitae), Labcorp
Classification: Uncertain significance. Last evaluated: 2025-11-21. Review status: criteria provided, single submitter. Criteria: Invitae Variant Classification Sherloc (09022015). Collection method: clinical testing. Allele origin: germline.
Comment: This sequence change replaces arginine, which is basic and polar, with glutamine, which is neutral and polar, at codon 2978 of the PCLO protein (p.Arg2978Gln). This variant is present in population databases (rs778228072, gnomAD 0.01%). This variant has not been reported in the literature in individuals affected with PCLO-related conditions. ClinVar contains an entry for this variant (Variation ID: 1409403). Experimental studies and prediction algorithms are not available or were not evaluated, and the functional significance of this variant is currently unknown. In summary, the available evidence is currently insufficient to determine the role of this variant in disease. Therefore, it has been classified as a Variant of Uncertain Significance.

Ambry Genetics
Classification: Uncertain significance for Inborn genetic diseases. Last evaluated: 2025-08-21. Review status: criteria provided, single submitter. Criteria: Ambry Variant Classification Scheme 2023. Collection method: clinical testing. Allele origin: germline.